The following is an entry in ClinVar:

NM_005744.5(ARIH1):c.1418T>C (p.Met473Thr)

Gene: ARIH1 (ariadne RBR E3 ubiquitin protein ligase 1; plus strand). Cytogenetic location: 15q24.1.
Variant type: single nucleotide variant.
Coding change: c.1418T>C on transcript NM_005744.5 (MANE Select); coding-DNA position 1418, T replaced by C.
Protein change: p.Met473Thr; replaces methionine 473 with threonine.
Molecular consequence: missense variant.
Genome position (GRCh38, 1-based): chr15:72,580,933, T>C. VCF-style: chr15-72580933-T-C. GRCh37 (hg19) VCF-style: chr15-72873274-T-C.
Other names: short protein forms M473T.
Identifiers: ClinVar variation 3727603 (VCV003727603.2).
Genomic context (GRCh38, chr15:72,580,933, plus strand): 5'-TTGAGGTGCAGTTCCTGAAGAAGGCAGTTGATGTCCTCTGCCAGTGTCGTGCCACACTCA[T>C]GTACACTTATGTCTTCGCTTTCTACCTCAAAAAGAATAACCAGTCCATTATCTTTGAGGT-3'
Protein context (NP_005735.2, residues 463-483): DVLCQCRATL[Met473Thr]YTYVFAFYLK

ClinVar aggregate classification (germline): Uncertain significance (1 of 4 stars; one submission).

Submission:

Labcorp Genetics (formerly Invitae), Labcorp
Classification: Uncertain significance. Last evaluated: 2024-12-19. Review status: criteria provided, single submitter. Criteria: Invitae Variant Classification Sherloc (09022015). Collection method: clinical testing. Allele origin: germline.
Comment: This sequence change replaces methionine, which is neutral and non-polar, with threonine, which is neutral and polar, at codon 473 of the ARIH1 protein (p.Met473Thr). This variant is not present in population databases (gnomAD no frequency). This variant has not been reported in the literature in individuals affected with ARIH1-related conditions. An algorithm developed to predict the effect of missense changes on protein structure and function (PolyPhen-2) suggests that this variant is likely to be disruptive. In summary, the available evidence is currently insufficient to determine the role of this variant in disease. Therefore, it has been classified as a Variant of Uncertain Significance.